The following is an entry in ClinVar:

ClinVar aggregate classification (germline): Uncertain significance (1 of 4 stars; one submission).

Conditions:
Hereditary cancer-predisposing syndrome. Also called: Tumor predisposition; Hereditary Cancer Syndrome; Neoplastic Syndromes, Hereditary; Hereditary neoplastic syndrome. Identifiers: Orphanet 140162, MedGen C0027672, MeSH D009386, MONDO:0015356.

Submission:

Ambry Genetics
Classification: Uncertain significance for Hereditary cancer-predisposing syndrome. Last evaluated: 2025-01-10. Review status: criteria provided, single submitter. Criteria: Ambry Variant Classification Scheme 2023. Collection method: clinical testing. Allele origin: germline.
Comment: The p.F93C variant (also known as c.278T>G), located in coding exon 2 of the SUFU gene, results from a T to G substitution at nucleotide position 278. The phenylalanine at codon 93 is replaced by cysteine, an amino acid with highly dissimilar properties. This amino acid position is highly conserved in available vertebrate species. In addition, this alteration is predicted to be deleterious by in silico analysis. Based on the available evidence, the clinical significance of this variant remains unclear.

NM_016169.4(SUFU):c.278T>G (p.Phe93Cys)

Gene: SUFU (SUFU negative regulator of hedgehog signaling; plus strand). Cytogenetic location: 10q24.32.
Variant type: single nucleotide variant.
Coding change: c.278T>G on transcript NM_016169.4 (MANE Select); coding-DNA position 278, T replaced by G.
Protein change: p.Phe93Cys; replaces phenylalanine 93 with cysteine.
Molecular consequence: missense variant.
Genome position (GRCh38, 1-based): chr10:102,509,264, T>G. VCF-style: chr10-102509264-T-G. GRCh37 (hg19) VCF-style: chr10-104269021-T-G.
Other names: c.278T>G, p.Phe93Cys (NM_001178133.2); short protein forms F93C.
Identifiers: ClinVar variation 1796033 (VCV001796033.3), dbSNP rs2544846141, ClinGen allele CA377888993.